The following is an entry in ClinVar:

NM_001289104.2(PRKCSH):c.1220T>G (p.Phe407Cys)

Gene: PRKCSH (PRKCSH beta subunit of glucosidase II; plus strand). Cytogenetic location: 19p13.2.
Variant type: single nucleotide variant.
Coding change: c.1220T>G on transcript NM_001289104.2 (MANE Select); coding-DNA position 1220, T replaced by G.
Protein change: p.Phe407Cys; replaces phenylalanine 407 with cysteine.
Molecular consequence: missense variant.
Genome position (GRCh38, 1-based): chr19:11,448,563, T>G. VCF-style: chr19-11448563-T-G. GRCh37 (hg19) VCF-style: chr19-11559378-T-G.
Other names: c.1190T>G, p.Phe397Cys (NM_001001329.3, NM_001289102.2, NM_001379609.1); c.1220T>G, p.Phe407Cys (NM_001289103.2); c.1199T>G, p.Phe400Cys (NM_001379608.1, NM_002743.3); short protein forms F407C, F397C, F400C.
Identifiers: ClinVar variation 3425148 (VCV003425148.4).

ClinVar aggregate classification (germline): Conflicting classifications of pathogenicity. Review status: criteria provided, conflicting classifications (1 of 4 stars). 3 submissions from 3 submitters: Uncertain significance (2); Likely benign (1). Last evaluated 2024-11-22.

Conditions:
Inborn genetic diseases. Identifiers: MedGen C0950123, MeSH D030342.
Polycystic liver disease 1 (PCLD1). Also called: Polycystic liver disease 1 with or without kidney cysts. Identifiers: Orphanet 2924, MedGen C0887850, MONDO:0008265, OMIM 174050.

gnomAD v4.1: 24 of 1,614,092 alleles (0.0015%); highest among the groups gnomAD compares: Middle Eastern, 0.016%; no homozygotes.

Submissions (3):

Labcorp Genetics (formerly Invitae), Labcorp
Classification: Uncertain significance. Last evaluated: 2024-11-22. Review status: criteria provided, single submitter. Criteria: Invitae Variant Classification Sherloc (09022015). Collection method: clinical testing. Allele origin: germline.
Comment: This sequence change replaces phenylalanine, which is neutral and non-polar, with cysteine, which is neutral and slightly polar, at codon 400 of the PRKCSH protein (p.Phe400Cys). This variant is present in population databases (rs758046206, gnomAD 0.004%). This variant has not been reported in the literature in individuals affected with PRKCSH-related conditions. An algorithm developed to predict the effect of missense changes on protein structure and function (PolyPhen-2) suggests that this variant is likely to be disruptive. In summary, the available evidence is currently insufficient to determine the role of this variant in disease. Therefore, it has been classified as a Variant of Uncertain Significance.

Ambry Genetics
Classification: Likely benign for Inborn genetic diseases. Last evaluated: 2024-08-01. Review status: criteria provided, single submitter. Criteria: Ambry Variant Classification Scheme 2023. Collection method: clinical testing. Allele origin: germline.

Fulgent Genetics
Classification: Uncertain significance for Polycystic liver disease 1. Last evaluated: 2024-05-22. Review status: criteria provided, single submitter. Criteria: ACMG Guidelines, 2015. Collection method: clinical testing. Allele origin: germline.